The following is an entry in ClinVar:

NM_000216.4(ANOS1):c.1249C>T (p.Gln417Ter)

Gene: ANOS1 (anosmin 1; minus strand). Cytogenetic location: Xp22.31.
Variant type: single nucleotide variant.
Coding change: c.1249C>T on transcript NM_000216.4 (MANE Select); coding-DNA position 1249, C replaced by T.
Protein change: p.Gln417Ter; replaces glutamine 417 with a stop codon.
Molecular consequence: nonsense.
Genome position (GRCh38, 1-based): chrX:8,554,057, G>A on the plus strand (C>T on the coding strand, the complement: ANOS1 is on the minus strand). VCF-style: chrX-8554057-G-A. GRCh37 (hg19) VCF-style: chrX-8522098-G-A.
Other names: short protein forms Q417*.
Identifiers: ClinVar variation 1452668 (VCV001452668.6), dbSNP rs2146796828, ClinGen allele CA411992621.
Genomic context (GRCh38, chrX:8,554,057, plus strand): 5'-GATAGAAGGGAGCTCCGACTTCCAGCGGGCGAGTGGGTCGTCGTCTTTGAAAAGGGAGTT[G>A]TGTTTGAATTCCACCTTTTCTAGTTTTCACAAGCTGTTCTTCTACAACAAAGTACAACAT-3'

ClinVar aggregate classification (germline): Pathogenic (1 of 4 stars; one submission).

Conditions:
Hypogonadotropic hypogonadism 1 with or without anosmia (HH1). Also called: Kallmann syndrome, type 1, X-linked; DYSPLASIA OLFACTOGENITALIS OF DE MORSIER; Hypogonadotropic hypogonadism 1 with or without anosmia (Kallmann syndrome 1); HYPOGONADOTROPIC HYPOGONADISM 1 WITH ANOSMIA; KAL1-Related GnRH Deficiency (Kallmann Syndrome 1; Kallmann Syndrome, X-Linked); HYPOGONADOTROPIC HYPOGONADISM AND ANOSMIA. Identifiers: Orphanet 478, MedGen C1563719, MONDO:0010635, OMIM 308700. Disease mechanism: loss of function.

Submission:

Labcorp Genetics (formerly Invitae), Labcorp
Classification: Pathogenic for Hypogonadotropic hypogonadism 1 with or without anosmia. Last evaluated: 2020-12-06. Review status: criteria provided, single submitter. Criteria: Invitae Variant Classification Sherloc (09022015). Collection method: clinical testing. Allele origin: germline.
Comment: This sequence change creates a premature translational stop signal (p.Gln417*) in the ANOS1 gene. It is expected to result in an absent or disrupted protein product. Loss-of-function variants in ANOS1 are known to be pathogenic (PMID: 8504298, 11297579). This variant is not present in population databases (ExAC no frequency). This variant has not been reported in the literature in individuals with ANOS1-related conditions. For these reasons, this variant has been classified as Pathogenic.

Literature cited by the submitters: PubMed 8504298; PubMed 11297579.